The following is an entry in ClinVar:

ClinVar aggregate classification (germline): Uncertain significance. Review status: criteria provided, single submitter (1 of 4 stars). 2 submissions from 2 submitters: Uncertain significance (1). 1 of the submissions does not count toward it. Last evaluated 2024-12-02.

Conditions:
Peroxisome biogenesis disorder. Identifiers: Orphanet 79189, MedGen C1832200, MONDO:0019234. Disease mechanism: loss of function.
Zellweger spectrum disorders (ZS). Also called: Zellweger syndrome; Zellweger Spectrum Disorder; Zellweger Spectrum; Zellweger Spectrum Disorder (ZSD). Identifiers: Orphanet 912, MedGen C0043459, MONDO:0019609.

Allele frequency attached by ClinVar (database versions not stated): gnomAD exomes below 0.00001.
gnomAD v4.1: 1 of 1,614,150 alleles (0.000062%); highest among the groups gnomAD compares: Admixed American, 0.0017%; no homozygotes.

Submissions (2):

Labcorp Genetics (formerly Invitae), Labcorp
Classification: Uncertain significance for Peroxisome biogenesis disorder. Last evaluated: 2024-12-02. Review status: criteria provided, single submitter. Criteria: Invitae Variant Classification Sherloc (09022015). Collection method: clinical testing. Allele origin: germline.
Comment: This sequence change replaces valine, which is neutral and non-polar, with alanine, which is neutral and non-polar, at codon 901 of the PEX6 protein (p.Val901Ala). This variant is present in population databases (no rsID available, gnomAD 0.003%). This variant has not been reported in the literature in individuals affected with PEX6-related conditions. ClinVar contains an entry for this variant (Variation ID: 939846). Invitae Evidence Modeling of protein sequence and biophysical properties (such as structural, functional, and spatial information, amino acid conservation, physicochemical variation, residue mobility, and thermodynamic stability) has been performed for this missense variant. However, the output from this modeling did not meet the statistical confidence thresholds required to predict the impact of this variant on PEX6 protein function. In summary, the available evidence is currently insufficient to determine the role of this variant in disease. Therefore, it has been classified as a Variant of Uncertain Significance.

Natera, Inc.
Classification: Uncertain significance for Zellweger syndrome. Last evaluated: 2020-08-12. Review status: no assertion criteria provided. Collection method: clinical testing. Allele origin: germline. Not counted in ClinVar's aggregate classification.

NM_000287.4(PEX6):c.2702T>C (p.Val901Ala)

Gene: PEX6 (peroxisomal biogenesis factor 6; minus strand). Cytogenetic location: 6p21.1.
Variant type: single nucleotide variant.
Coding change: c.2702T>C on transcript NM_000287.4 (MANE Select); coding-DNA position 2702, T replaced by C.
Protein change: p.Val901Ala; replaces valine 901 with alanine.
Molecular consequence: missense variant. On other transcripts: non-coding transcript variant (1).
Genome position (GRCh38, 1-based): chr6:42,964,894, A>G on the plus strand (T>C on the coding strand, the complement: PEX6 is on the minus strand). VCF-style: chr6-42964894-A-G. GRCh37 (hg19) VCF-style: chr6-42932632-A-G.
Other names: c.2438T>C, p.Val813Ala (NM_001316313.2); short protein forms V813A, V901A.
Identifiers: ClinVar variation 939846 (VCV000939846.10), dbSNP rs1209841271, ClinGen allele CA364150428.
Genomic context (GRCh38, chr6:42,964,894, plus strand): 5'-GCATCAGAGCAGAGAGAGTAGAGGTCCGCGCCCGTCAGCTGGGGAGGGCAGCAATCTAGC[A>G]CGTTTACCAGGCTCACAGATGGCTCTAGCTTGAATCTGTTGTGGGATACAGGAAGAAACA-3'
Protein context (NP_000278.3, residues 891-911): KLEPSVSLVN[Val901Ala]LDCCPPQLTG